The following is an entry in ClinVar:

ClinVar aggregate classification (germline): Uncertain significance. Review status: criteria provided, multiple submitters, no conflicts (2 of 4 stars). 2 submissions from 2 submitters: Uncertain significance (2). Last evaluated 2024-03-18.

Conditions:
Hereditary cancer-predisposing syndrome. Also called: Hereditary Cancer Syndrome; Hereditary neoplastic syndrome; Tumor predisposition; Neoplastic Syndromes, Hereditary. Identifiers: Orphanet 140162, MedGen C0027672, MeSH D009386, MONDO:0015356.
Birt-Hogg-Dube syndrome. Also called: Birt Hogg Dubé syndrome. Identifiers: Orphanet 122, MedGen C0346010, MONDO:0800444.

gnomAD v4.1: 1 of 1,596,692 alleles (0.000063%); highest among the groups gnomAD compares: African/African-American, 0.0013%; no homozygotes.

Submissions (2):

Ambry Genetics
Classification: Uncertain significance for Hereditary cancer-predisposing syndrome. Last evaluated: 2024-03-18. Review status: criteria provided, single submitter. Criteria: Ambry Variant Classification Scheme 2023. Collection method: clinical testing. Allele origin: germline.
Comment: The p.G139C variant (also known as c.415G>T), located in coding exon 3 of the FLCN gene, results from a G to T substitution at nucleotide position 415. The glycine at codon 139 is replaced by cysteine, an amino acid with highly dissimilar properties. This amino acid position is conserved. In addition, this alteration is predicted to be deleterious by in silico analysis. Based on the available evidence, the clinical significance of this alteration remains unclear.

Labcorp Genetics (formerly Invitae), Labcorp
Classification: Uncertain significance for Birt-Hogg-Dube syndrome. Last evaluated: 2021-01-18. Review status: criteria provided, single submitter. Criteria: Invitae Variant Classification Sherloc (09022015). Collection method: clinical testing. Allele origin: germline.
Comment: In summary, the available evidence is currently insufficient to determine the role of this variant in disease. Therefore, it has been classified as a Variant of Uncertain Significance. This sequence change replaces glycine with cysteine at codon 139 of the FLCN protein (p.Gly139Cys). The glycine residue is highly conserved and there is a large physicochemical difference between glycine and cysteine. This variant is not present in population databases (ExAC no frequency). This variant has not been reported in the literature in individuals with FLCN-related conditions. Algorithms developed to predict the effect of missense changes on protein structure and function (SIFT, PolyPhen-2, Align-GVGD) all suggest that this variant is likely to be disruptive, but these predictions have not been confirmed by published functional studies and their clinical significance is uncertain.

NM_144997.7(FLCN):c.415G>T (p.Gly139Cys)

Gene: FLCN (folliculin; minus strand). Cytogenetic location: 17p11.2.
Variant type: single nucleotide variant.
Coding change: c.415G>T on transcript NM_144997.7 (MANE Select); coding-DNA position 415, G replaced by T.
Protein change: p.Gly139Cys; replaces glycine 139 with cysteine.
Molecular consequence: missense variant.
Genome position (GRCh38, 1-based): chr17:17,224,125, C>A on the plus strand (G>T on the coding strand, the complement: FLCN is on the minus strand). VCF-style: chr17-17224125-C-A. GRCh37 (hg19) VCF-style: chr17-17127439-C-A.
Other names: c.469G>T, p.Gly157Cys (NM_001353229.2); c.415G>T, p.Gly139Cys (NM_001353230.2, NM_001353231.2, NM_144606.7); c.415G>T (NM_144997.5); short protein forms G139C, G157C.
Identifiers: ClinVar variation 1354425 (VCV001354425.9), dbSNP rs2144982654, ClinGen allele CA398534615.